The following is an entry in ClinVar:

NM_000053.4(ATP7B):c.4308C>T (p.Asp1436=)

Gene: ATP7B (ATPase copper transporting beta; minus strand). Cytogenetic location: 13q14.3.
Variant type: single nucleotide variant.
Coding change: c.4308C>T on transcript NM_000053.4 (MANE Select); coding-DNA position 4308, C replaced by T.
Protein change: p.Asp1436=; no amino-acid change (aspartic acid 1436 retained).
Molecular consequence: synonymous variant.
Genome position (GRCh38, 1-based): chr13:51,934,846, G>A on the plus strand (C>T on the coding strand, the complement: ATP7B is on the minus strand). VCF-style: chr13-51934846-G-A. GRCh37 (hg19) VCF-style: chr13-52508982-G-A.
Other names: c.4074C>T, p.Asp1358= (NM_001330578.2); c.4056C>T, p.Asp1352= (NM_001330579.2); c.3687C>T, p.Asp1229= (NM_001005918.3); c.3975C>T, p.Asp1325= (NM_001243182.2).
Identifiers: ClinVar variation 1103682 (VCV001103682.11), dbSNP rs778639218, ClinGen allele CA6988428.

ClinVar aggregate classification (germline): Likely benign. Review status: criteria provided, multiple submitters, no conflicts (2 of 4 stars). 3 submissions from 3 submitters: Likely benign (3). Last evaluated 2025-09-24.

Conditions:
Wilson disease (WND). Also called: Wilson's disease. Identifiers: Orphanet 905, MedGen C0019202, MONDO:0010200, OMIM 277900. Disease mechanism: loss of function.

Allele frequency attached by ClinVar (database versions not stated): ExAC 0.00001; gnomAD exomes 0.00001; TOPMed 0.00001.
gnomAD v4.1: 51 of 1,614,222 alleles (0.0032%); highest among the groups gnomAD compares: Non-Finnish European, 0.0042%; no homozygotes.

Submissions (3):

Labcorp Genetics (formerly Invitae), Labcorp
Classification: Likely benign for Wilson disease. Last evaluated: 2025-09-24. Review status: criteria provided, single submitter. Criteria: Invitae Variant Classification Sherloc (09022015). Collection method: clinical testing. Allele origin: germline.

All of Us Research Program, National Institutes of Health
Classification: Likely benign for Wilson disease. Last evaluated: 2023-08-15. Review status: criteria provided, single submitter. Criteria: ACMG Guidelines, 2015. Collection method: clinical testing. Allele origin: germline. Inheritance: Autosomal recessive inheritance. Observed: 1 variant allele, 1 heterozygote.
Comment: This study involves interpretation of variants in research participants for the purpose of population health screening. Participant phenotype was not available at the time of variant classification. Additional details can be found in publication PMID: 35346344, PMCID: PMC8962531

Color Diagnostics, LLC DBA Color Health
Classification: Likely benign for Wilson disease. Last evaluated: 2022-06-24. Review status: criteria provided, single submitter. Criteria: ACMG Guidelines, 2015. Collection method: clinical testing. Allele origin: germline.